The following is an entry in ClinVar:

NM_005876.5(SPEG):c.1693G>A (p.Gly565Arg)

Gene: SPEG (striated muscle enriched protein kinase; plus strand). Cytogenetic location: 2q35.
Variant type: single nucleotide variant.
Coding change: c.1693G>A on transcript NM_005876.5 (MANE Select); coding-DNA position 1693, G replaced by A.
Protein change: p.Gly565Arg; replaces glycine 565 with arginine.
Molecular consequence: missense variant.
Genome position (GRCh38, 1-based): chr2:219,448,851, G>A. VCF-style: chr2-219448851-G-A. GRCh37 (hg19) VCF-style: chr2-220313573-G-A.
Other names: short protein forms G565R.
Identifiers: ClinVar variation 1480412 (VCV001480412.5), dbSNP rs1368201631, ClinGen allele CA350723084.
Genomic context (GRCh38, chr2:219,448,851, plus strand): 5'-TCGCGGGCCGTGAGCCCCGCCGCCGCCCAGCCGCCCTCTCCGAGCAGCGCGGAGAAGCCG[G>A]GGGACGAGCCTGGGAGGCCCAGGAGCCGCGGGCCGGCGGGCAGGACAGAGCCGGGGGAAG-3'
Protein context (NP_005867.3, residues 555-575): PPSPSSAEKP[Gly565Arg]DEPGRPRSRG

ClinVar aggregate classification (germline): Uncertain significance (1 of 4 stars; one submission).

Allele frequency attached by ClinVar (database versions not stated): gnomAD 0.00001.
gnomAD v4.1: 70 of 1,402,000 alleles (0.005%); highest among the groups gnomAD compares: Admixed American, 0.0065%; no homozygotes.

Submission:

Labcorp Genetics (formerly Invitae), Labcorp
Classification: Uncertain significance. Last evaluated: 2021-08-28. Review status: criteria provided, single submitter. Criteria: Invitae Variant Classification Sherloc (09022015). Collection method: clinical testing. Allele origin: germline.
Comment: This sequence change replaces glycine with arginine at codon 565 of the SPEG protein (p.Gly565Arg). The glycine residue is highly conserved and there is a moderate physicochemical difference between glycine and arginine. The frequency data for this variant in the population databases is considered unreliable, as metrics indicate insufficient coverage at this position in the ExAC database. This variant has not been reported in the literature in individuals affected with SPEG-related conditions. Algorithms developed to predict the effect of missense changes on protein structure and function are either unavailable or do not agree on the potential impact of this missense change (SIFT: "Tolerated"; PolyPhen-2: "Possibly Damaging"; Align-GVGD: "Class C0"). In summary, the available evidence is currently insufficient to determine the role of this variant in disease. Therefore, it has been classified as a Variant of Uncertain Significance.